The following is an entry in ClinVar:

ClinVar aggregate classification (germline): Conflicting classifications of pathogenicity. Review status: criteria provided, conflicting classifications (1 of 4 stars). 3 submissions from 3 submitters: Uncertain significance (1); Likely benign (2). Last evaluated 2024-11-01.

Conditions:
Leukodystrophy, hypomyelinating, 7, with or without oligodontia and/or hypogonadotropic hypogonadism (HLD7). Also called: LEUKODYSTROPHY, HYPOMYELINATING, 7, WITH OLIGODONTIA; LEUKODYSTROPHY, HYPOMYELINATING, 7, WITH OLIGODONTIA AND HYPOGONADOTROPIC HYPOGONADISM; LEUKODYSTROPHY, HYPOMYELINATING, 7, WITHOUT OLIGODONTIA OR HYPOGONADOTROPIC HYPOGONADISM; LEUKOENCEPHALOPATHY, HYPOMYELINATING, WITH ATAXIA AND DELAYED DENTITION; ATAXIA, DELAYED DENTITION, AND HYPOMYELINATION; Ataxia, Delayed Dentition and Hypomyelination (ADDH). Identifiers: Orphanet 137639, Orphanet 447893, Orphanet 447896, Orphanet 77295, Orphanet 88637, MedGen CN034185, MONDO:0011897, OMIM 607694.

Allele frequency attached by ClinVar (database versions not stated): 1000 Genomes Project 0.00260; 1000 Genomes Project 30x 0.00265; TOPMed 0.00579; gnomAD 0.00590 and 0.00610.

Submissions (3):

CeGaT Center for Human Genetics Tuebingen
Classification: Likely benign. Last evaluated: 2024-11-01. Review status: criteria provided, single submitter. Criteria: CeGaT Center For Human Genetics Tuebingen Variant Classification Criteria Version 2. Collection method: clinical testing. Allele origin: germline. Affected: yes. Observed: 8 variant alleles.
Comment: POLR3A: BS2

GeneDx
Classification: Likely benign. Last evaluated: 2021-05-30. Review status: criteria provided, single submitter. Criteria: GeneDx Variant Classification Process June 2021. Collection method: clinical testing. Allele origin: germline. Affected: yes.

Illumina Laboratory Services, Illumina
Classification: Uncertain significance for Leukodystrophy, hypomyelinating, 7, with or without oligodontia and/or hypogonadotropic hypogonadism. Last evaluated: 2018-01-12. Review status: criteria provided, single submitter. Criteria: ICSL Variant Classification Criteria 13 December 2019. Collection method: clinical testing. Allele origin: germline.

NM_007055.4(POLR3A):c.*90G>A

Gene: POLR3A (RNA polymerase III subunit A; minus strand). Cytogenetic location: 10q22.3.
Variant type: single nucleotide variant.
Coding change: c.*90G>A on transcript NM_007055.4 (MANE Select); 90 bases downstream of the stop codon, G replaced by A.
Molecular consequence: 3 prime UTR variant.
Genome position (GRCh38, 1-based): chr10:77,977,388, C>T on the plus strand (G>A on the coding strand, the complement: POLR3A is on the minus strand). VCF-style: chr10-77977388-C-T. GRCh37 (hg19) VCF-style: chr10-79737146-C-T.
Identifiers: ClinVar variation 301032 (VCV000301032.34), dbSNP rs146055367, ClinGen allele CA10636067.